The following is an entry in ClinVar:

NM_001018115.3(FANCD2):c.4301T>G (p.Val1434Gly)

Genes: FANCD2 (FA complementation group D2; plus strand), FANCD2OS (FANCD2 opposite strand; minus strand). Cytogenetic location: 3p25.3.
Variant type: single nucleotide variant.
Coding change: c.4301T>G on transcript NM_001018115.3 (MANE Select); coding-DNA position 4301, T replaced by G.
Protein change: p.Val1434Gly; replaces valine 1434 with glycine.
Molecular consequence: missense variant. On other transcripts: intron variant (1).
Genome position (GRCh38, 1-based): chr3:10,101,207, T>G. VCF-style: chr3-10101207-T-G. GRCh37 (hg19) VCF-style: chr3-10142891-T-G.
Other names: c.4301T>G, p.Val1434Gly (NM_001319984.2); c.4190T>G, p.Val1397Gly (NM_001374253.1); c.*43+2991A>C (NM_173472.2); short protein forms V1434G, V1397G.
Identifiers: ClinVar variation 134326 (VCV000134326.3), dbSNP rs587778334, ClinGen allele CA159503.

ClinVar aggregate classification (germline): not provided (0 of 4 stars; one submission).

gnomAD v4.1: 10 of 1,613,378 alleles (0.00062%); no homozygotes.

Submission:

ITMI
No classification provided. Condition: AllHighlyPenetrant. Last evaluated: 2013-09-19. Review status: no classification provided. Collection method: reference population. Allele origin: germline.
Comment: Please see associated publication for description of ethnicities

Literature cited by the submitters: PubMed 24728327.